The following is an entry in ClinVar:

ClinVar aggregate classification (germline): Uncertain significance (1 of 4 stars; one submission).

Submission:

Quest Diagnostics Nichols Institute San Juan Capistrano
Classification: Uncertain significance. Last evaluated: 2023-05-01. Review status: criteria provided, single submitter. Criteria: Quest Diagnostics criteria. Collection method: clinical testing. Allele origin: unknown.
Comment: This variant has not been reported in the published literature. It also has not been reported in large, multi-ethnic general populations. Analysis of this variant using software algorithms for the prediction of the effect of nucleotide changes on splicing yielded predictions that this variant does not affect FANCM mRNA splicing . Based on the available information, we are unable to determine the clinical significance of this variant.

NM_020937.4(FANCM):c.2748T>A (p.Val916=)

Gene: FANCM (FA complementation group M; plus strand). Cytogenetic location: 14q21.2.
Variant type: single nucleotide variant.
Coding change: c.2748T>A on transcript NM_020937.4 (MANE Select); coding-DNA position 2748, T replaced by A.
Protein change: p.Val916=; no amino-acid change (valine 916 retained).
Molecular consequence: synonymous variant.
Genome position (GRCh38, 1-based): chr14:45,175,502, T>A. VCF-style: chr14-45175502-T-A. GRCh37 (hg19) VCF-style: chr14-45644705-T-A.
Other names: c.2670T>A, p.Val890= (NM_001308133.2).
Identifiers: ClinVar variation 2681923 (VCV002681923.1), dbSNP rs2503183694, ClinGen allele CA486346571.